The following is an entry in ClinVar:

NM_001378609.3(OTOGL):c.6051A>G (p.Leu2017=)

Gene: OTOGL (otogelin like; plus strand). Cytogenetic location: 12q21.31.
Variant type: single nucleotide variant.
Coding change: c.6051A>G on transcript NM_001378609.3 (MANE Select); coding-DNA position 6051, A replaced by G.
Protein change: p.Leu2017=; no amino-acid change (leucine 2017 retained).
Molecular consequence: synonymous variant.
Genome position (GRCh38, 1-based): chr12:80,358,279, A>G. VCF-style: chr12-80358279-A-G. GRCh37 (hg19) VCF-style: chr12-80752059-A-G.
Other names: c.5916A>G, p.Leu1972= (NM_001368062.3); c.6051A>G, p.Leu2017= (NM_001378610.3, NM_173591.7).
Identifiers: ClinVar variation 710360 (VCV000710360.7), dbSNP rs371874045, ClinGen allele CA6701900.
Genomic context (GRCh38, chr12:80,358,279, plus strand): 5'-GTGATTTTTGGCTTCTTGTTTTACCTTAGTTTGTGAATCTTGCACCAAACCTGTTCCACT[A>G]TGTCATGATGGGGAATTTCTCACAGTAGATCTTAATAGCACACACTTCTGTTGTCCTCAG-3'
Protein context (NP_001365538.2, residues 2007-2027): VCESCTKPVP[Leu2017=]CHDGEFLTVD

ClinVar aggregate classification (germline): Likely benign. Review status: criteria provided, single submitter (1 of 4 stars). 2 submissions from 2 submitters: Likely benign (1). 1 of the submissions does not count toward it. Last evaluated 2025-12-01.

Conditions:
OTOGL-related disorder. Also called: OTOGL-related condition.

Allele frequency attached by ClinVar (database versions not stated): ExAC 0.00001; gnomAD exomes 0.00001 and 0.00002; TOPMed 0.00003; gnomAD 0.00005 and 0.00006; ESP Exome Variant Server 0.00008.
gnomAD v4.1: 15 of 1,612,042 alleles (0.00093%); highest among the groups gnomAD compares: Admixed American, 0.01%; no homozygotes.

Submissions (2):

Labcorp Genetics (formerly Invitae), Labcorp
Classification: Likely benign. Last evaluated: 2025-12-01. Review status: criteria provided, single submitter. Criteria: Invitae Variant Classification Sherloc (09022015). Collection method: clinical testing. Allele origin: germline.

PreventionGenetics, part of Exact Sciences
Classification: Likely benign for OTOGL-related condition. Last evaluated: 2020-01-31. Review status: no assertion criteria provided. Collection method: clinical testing. Allele origin: germline. Not counted in ClinVar's aggregate classification.
Comment: This variant is classified as likely benign based on ACMG/AMP sequence variant interpretation guidelines (Richards et al. 2015 PMID: 25741868, with internal and published modifications).